The following is an entry in ClinVar:

ClinVar aggregate classification (germline): Uncertain significance (1 of 4 stars; one submission).

Conditions:
Gastrointestinal stromal tumor. Also called: Gastrointestinal stromal tumor, somatic; Gastrointestinal stroma tumor. Identifiers: Orphanet 44890, MedGen C0238198, MeSH D046152, MONDO:0011719, OMIM 606764, HP:0100723.

Submission:

Labcorp Genetics (formerly Invitae), Labcorp
Classification: Uncertain significance for Gastrointestinal stromal tumor. Last evaluated: 2023-02-17. Review status: criteria provided, single submitter. Criteria: Invitae Variant Classification Sherloc (09022015). Collection method: clinical testing. Allele origin: germline.
Comment: In summary, the available evidence is currently insufficient to determine the role of this variant in disease. Therefore, it has been classified as a Variant of Uncertain Significance. This sequence change falls in intron 3 of the KIT gene. It does not directly change the encoded amino acid sequence of the KIT protein. It affects a nucleotide within the consensus splice site. This variant is not present in population databases (gnomAD no frequency). This variant has not been reported in the literature in individuals affected with KIT-related conditions. Variants that disrupt the consensus splice site are a relatively common cause of aberrant splicing (PMID: 17576681, 9536098). Algorithms developed to predict the effect of sequence changes on RNA splicing suggest that this variant is not likely to affect RNA splicing.

Literature cited by the submitters: PubMed 17576681; PubMed 9536098.

NM_000222.3(KIT):c.619+6G>A

Gene: KIT (KIT proto-oncogene, receptor tyrosine kinase; plus strand). Cytogenetic location: 4q12.
Variant type: single nucleotide variant.
Coding change: c.619+6G>A on transcript NM_000222.3 (MANE Select); 6 bases into the intron after coding-DNA position 619, G replaced by A.
Molecular consequence: intron variant.
Genome position (GRCh38, 1-based): chr4:54,698,571, G>A. VCF-style: chr4-54698571-G-A. GRCh37 (hg19) VCF-style: chr4-55564737-G-A.
Other names: c.619+6G>A (NM_001385288.1, NM_001385292.1, NM_001385285.1 and 4 more transcripts).
Identifiers: ClinVar variation 2838561 (VCV002838561.3), dbSNP rs2475452808, ClinGen allele CA2739270070.